The following is an entry in ClinVar:

ClinVar aggregate classification (germline): Benign/Likely benign. Review status: criteria provided, multiple submitters, no conflicts (2 of 4 stars). 8 submissions from 7 submitters: Benign (3); Likely benign (4). 1 of the submissions does not count toward it. Last evaluated 2026-03-01.

Conditions:
NF1-related disorder. Also called: NF1-related condition. Identifiers: MedGen CN379171.
Hereditary cancer-predisposing syndrome. Also called: Tumor predisposition; Neoplastic Syndromes, Hereditary; Hereditary Cancer Syndrome; Hereditary neoplastic syndrome. Identifiers: Orphanet 140162, MedGen C0027672, MeSH D009386, MONDO:0015356.
Neurofibromatosis, familial spinal (FSNF). Identifiers: Orphanet 636, MedGen C1834235, MONDO:0008078, OMIM 162210. Disease mechanism: loss of function.
Neurofibromatosis, type 1 (NF1). Also called: NEUROFIBROMATOSIS, TYPE I, SOMATIC; Peripheral type neurofibromatosis; Neurofibromatosis, type I; VON RECKLINGHAUSEN DISEASE. Identifiers: Orphanet 636, MedGen C0027831, MONDO:0018975, OMIM 162200. Disease mechanism: loss of function.
Cardiovascular phenotype. Identifiers: MedGen CN230736.

Allele frequency attached by ClinVar (database versions not stated): 1000 Genomes Project 30x 0.00062; 1000 Genomes Project 0.00080; gnomAD 0.00086 and 0.00088; TOPMed 0.00093; gnomAD exomes 0.00124.
gnomAD v4.1: 1,607 of 1,346,530 alleles (0.12%); highest among the groups gnomAD compares: Non-Finnish European, 0.15%; 6 homozygotes.

Submissions (8):

CeGaT Center for Human Genetics Tuebingen
Classification: Likely benign. Last evaluated: 2026-03-01. Review status: criteria provided, single submitter. Criteria: CeGaT Center For Human Genetics Tuebingen Variant Classification Criteria Version 2. Collection method: clinical testing. Allele origin: germline. Affected: yes. Observed: 15 variant alleles.
Comment: NF1: BS1

Labcorp Genetics (formerly Invitae), Labcorp
Classification: Benign for Neurofibromatosis, type 1. Last evaluated: 2026-01-05. Review status: criteria provided, single submitter. Criteria: Invitae Variant Classification Sherloc (09022015). Collection method: clinical testing. Allele origin: germline.

KCCC/NGS Laboratory, Kuwait Cancer Control Center
Classification: Benign for Neurofibromatosis, type 1. Last evaluated: 2025-02-01. Review status: criteria provided, single submitter. Criteria: ACMG Guidelines, 2015. Collection method: clinical testing. Allele origin: germline. Affected: no.

KCCC/NGS Laboratory, Kuwait Cancer Control Center
Classification: Likely benign for Neurofibromatosis, familial spinal. Last evaluated: 2023-07-07. Review status: criteria provided, single submitter. Criteria: ACMG Guidelines, 2015. Collection method: clinical testing. Allele origin: germline. Affected: yes.

Genome-Nilou Lab
Classification: Benign for Neurofibromatosis, type 1. Last evaluated: 2022-03-15. Review status: criteria provided, single submitter. Criteria: ACMG Guidelines, 2015. Collection method: clinical testing. Allele origin: germline. Affected: no.

Ambry Genetics
Classification: Likely benign for Cardiovascular phenotype; Hereditary cancer-predisposing syndrome. Last evaluated: 2022-02-25. Review status: criteria provided, single submitter. Criteria: Ambry Variant Classification Scheme 2023. Collection method: clinical testing. Allele origin: germline.

Sema4
Classification: Likely benign for Hereditary cancer-predisposing syndrome. Last evaluated: 2020-12-18. Review status: criteria provided, single submitter. Criteria: Sema4 Curation Guidelines. Collection method: curation. Allele origin: germline.

PreventionGenetics, part of Exact Sciences
Classification: Likely benign for NF1-related condition. Last evaluated: 2022-02-01. Review status: no assertion criteria provided. Collection method: clinical testing. Allele origin: germline. Not counted in ClinVar's aggregate classification.
Comment: This variant is classified as likely benign based on ACMG/AMP sequence variant interpretation guidelines (Richards et al. 2015 PMID: 25741868, with internal and published modifications).

NM_001042492.3(NF1):c.8114-70A>T

Gene: NF1 (neurofibromin 1; plus strand). Cytogenetic location: 17q11.2.
Variant type: single nucleotide variant.
Coding change: c.8114-70A>T on transcript NM_001042492.3 (MANE Select); 70 bases into the intron before coding-DNA position 8114, A replaced by T.
Molecular consequence: intron variant.
Genome position (GRCh38, 1-based): chr17:31,358,899, A>T. VCF-style: chr17-31358899-A-T. GRCh37 (hg19) VCF-style: chr17-29685917-A-T.
Other names: c.8114-70A>T (NM_001042492.2); c.8051-70A>T (NM_000267.4).
Identifiers: ClinVar variation 215726 (VCV000215726.41), dbSNP rs192112633, ClinGen allele CA336756.